The following is an entry in ClinVar:

ClinVar aggregate classification (germline): Uncertain significance. Review status: criteria provided, multiple submitters, no conflicts (2 of 4 stars). 3 submissions from 3 submitters: Uncertain significance (2). 1 of the submissions does not count toward it. Last evaluated 2018-05-01.

Conditions:
Galactosemia. Also called: Galactose intolerance. Identifiers: Orphanet 352, MedGen C0016952, MONDO:0018116, HP:0004919. Disease mechanism: loss of function.

Allele frequency attached by ClinVar (database versions not stated): TOPMed below 0.00001; gnomAD 0.00003.

Submissions (3):

Women's Health and Genetics/Laboratory Corporation of America, LabCorp
Classification: Uncertain significance. Last evaluated: 2018-05-01. Review status: criteria provided, single submitter. Criteria: LabCorp Variant Classification Summary - May 2015. Collection method: clinical testing. Allele origin: germline.
Comment: Variant summary: GALT c.640G>A (p.Gly214Arg) results in a non-conservative amino acid change located in the C-terminal domain of the encoded protein sequence. Four of five in-silico tools predict a damaging effect of the variant on protein function. The variant allele was found at a frequency of 3.2e-05 in 30936 control chromosomes (in gnomAD). The available data on variant occurrences in the general population are insufficient to allow any conclusion about variant significance. The variant, p.Gly214Arg, has been reported in the literature to be detected in a laboratory sample with severely decreased GALT enzyme activity, however no phenotype information was provided. In addition, authors noted that further investigations would be necessary rule out analytical artifacts (Yuzyuk_2018), thus this report does not provide unequivocal conclusions about association of the variant with Galactosemia. To our knowledge, no experimental evidence demonstrating an impact on protein function has been reported. One clinical diagnostic laboratory has submitted clinical-significance assessments for this variant to ClinVar after 2014 without evidence for independent evaluation, and classified the variant as uncertain significance. Based on the evidence outlined above, the variant was classified as uncertain significance.

ARUP Laboratories, Molecular Genetics and Genomics, ARUP Laboratories
Classification: Uncertain significance. Last evaluated: 2016-12-29. Review status: criteria provided, single submitter. Criteria: ARUP Molecular Germline Variant Investigation Process. Collection method: clinical testing. Allele origin: germline.

Natera, Inc.
Classification: Uncertain significance for Galactosemia. Last evaluated: 2020-10-16. Review status: no assertion criteria provided. Collection method: clinical testing. Allele origin: germline. Not counted in ClinVar's aggregate classification.

NM_000155.4(GALT):c.640G>A (p.Gly214Arg)

Gene: GALT (galactose-1-phosphate uridylyltransferase; plus strand). Cytogenetic location: 9p13.3.
Variant type: single nucleotide variant.
Coding change: c.640G>A on transcript NM_000155.4 (MANE Select); coding-DNA position 640, G replaced by A.
Protein change: p.Gly214Arg; replaces glycine 214 with arginine.
Molecular consequence: missense variant.
Genome position (GRCh38, 1-based): chr9:34,648,409, G>A. VCF-style: chr9-34648409-G-A. GRCh37 (hg19) VCF-style: chr9-34648406-G-A.
Other names: c.313G>A, p.Gly105Arg (NM_001258332.2); short protein forms G105R, G214R.
Identifiers: ClinVar variation 439750 (VCV000439750.10), dbSNP rs1413579895, ClinGen allele CA373282175.